The following is an entry in ClinVar:

NM_003086.4(SNAPC4):c.1420+27A>C

Gene: SNAPC4 (small nuclear RNA activating complex polypeptide 4; minus strand). Cytogenetic location: 9q34.3.
Variant type: single nucleotide variant.
Coding change: c.1420+27A>C on transcript NM_003086.4 (MANE Select); 27 bases into the intron after coding-DNA position 1420, A replaced by C.
Molecular consequence: intron variant.
Genome position (GRCh38, 1-based): chr9:136,384,693, T>G on the plus strand (A>C on the coding strand, the complement: SNAPC4 is on the minus strand). VCF-style: chr9-136384693-T-G. GRCh37 (hg19) VCF-style: chr9-139279145-T-G.
Other names: c.1420+27A>C (NM_001394203.1, NM_001394202.1, NM_001394201.1).
Identifiers: ClinVar variation 4292689 (VCV004292689.1).
Genomic context (GRCh38, chr9:136,384,693, plus strand): 5'-AGCTTGCTCTGTCTTTATCTTGATCTCTTTTCTAAGAAACAAAAAACAAAAAAAAGAAAC[T>G]AGAAGAACAAACTGTCAGCAACTTACCGACACCATATTTTTCTATTAATTCAATTAACTG-3'

ClinVar aggregate classification (germline): Uncertain significance (1 of 4 stars; one submission).

Conditions:
Neurodevelopmental disorder with motor regression, progressive spastic paraplegia, and oromotor dysfunction (NEDRSO). Identifiers: MedGen C5882695, MONDO:0957791, OMIM 620515.

Submission:

3billion
Classification: Uncertain significance for Neurodevelopmental disorder with motor regression, progressive spastic paraplegia, and oromotor dysfunction. Last evaluated: 2024-11-22. Review status: criteria provided, single submitter. Criteria: ACMG Guidelines, 2015. Collection method: clinical testing. Allele origin: germline. Affected: yes.
Comment: The variant is not observed in the gnomAD v4.1.0 dataset. Predicted Consequence/Location: Intron variant In silico tools predict the variant to alter splicing and produce an abnormal transcript [SpliceAI: 0.18 (spliceogenicity >=0.2, non-spliceogenicity <0.1)]. Therefore, this variant is classified as VUS according to the recommendation of ACMG/AMP guideline.